The following is an entry in ClinVar:

ClinVar aggregate classification (germline): Pathogenic (1 of 4 stars; one submission).

Allele frequency attached by ClinVar (database versions not stated): gnomAD exomes below 0.00001.
gnomAD v4.1: 1 of 1,613,732 alleles (0.000062%); highest among the groups gnomAD compares: Non-Finnish European, 0.000085%; no homozygotes.

Submission:

Labcorp Genetics (formerly Invitae), Labcorp
Classification: Pathogenic. Last evaluated: 2022-11-14. Review status: criteria provided, single submitter. Criteria: Invitae Variant Classification Sherloc (09022015). Collection method: clinical testing. Allele origin: germline.
Comment: This sequence change creates a premature translational stop signal (p.Trp295*) in the POLG2 gene. It is expected to result in an absent or disrupted protein product. Loss-of-function variants in POLG2 are known to be pathogenic (PMID: 28078310, 29625556). This variant is not present in population databases (gnomAD no frequency). This variant has not been reported in the literature in individuals affected with POLG2-related conditions. For these reasons, this variant has been classified as Pathogenic.

Literature cited by the submitters: PubMed 28078310; PubMed 29625556.

NM_007215.4(POLG2):c.885G>A (p.Trp295Ter)

Genes: MILR1 (mast cell immunoglobulin like receptor 1; plus strand), POLG2 (DNA polymerase gamma 2, accessory subunit; minus strand). Cytogenetic location: 17q23.3.
Variant type: single nucleotide variant.
Coding change: c.885G>A on transcript NM_007215.4 (MANE Select); coding-DNA position 885, G replaced by A.
Protein change: p.Trp295Ter; replaces tryptophan 295 with a stop codon.
Molecular consequence: nonsense.
Genome position (GRCh38, 1-based): chr17:64,490,880, C>T on the plus strand (G>A on the coding strand, the complement: POLG2 is on the minus strand). VCF-style: chr17-64490880-C-T. GRCh37 (hg19) VCF-style: chr17-62486997-C-T.
Other names: short protein forms W295*.
Identifiers: ClinVar variation 2810448 (VCV002810448.3), dbSNP rs2509545349, ClinGen allele CA400638578.